The following is an entry in ClinVar:

ClinVar aggregate classification (germline): Conflicting classifications of pathogenicity. Review status: criteria provided, conflicting classifications (1 of 4 stars). 14 submissions from 14 submitters: Uncertain significance (3); Likely benign (9). 2 of the submissions do not count toward it. Last evaluated 2026-05-27.

Conditions:
PKP2-related disorder. Also called: PKP2-related condition.
Cardiovascular phenotype. Identifiers: MedGen CN230736.
Cardiomyopathy (CMYO). Also called: Cardiomyopathies. Identifiers: Orphanet 167848, MedGen C0878544, MONDO:0004994, HP:0001638. Inheritance: Various modes of inheritance.
Primary dilated cardiomyopathy (DCM). Also called: Dilated Cardiomyopathy. Identifiers: Orphanet 217604, MedGen C0007193, MeSH D002311, MONDO:0005021, HP:0001644. Inheritance: Various modes of inheritance.
Arrhythmogenic right ventricular dysplasia 9 (ARVD9). Also called: Arrhythmogenic Right Ventricular Dysplasia/Cardiomyopathy 9; ARRHYTHMOGENIC RIGHT VENTRICULAR DYSPLASIA, FAMILIAL, 9. Identifiers: MedGen C1836906, MONDO:0012180, OMIM 609040.
Hypertrophic cardiomyopathy. Also called: HYPERTROPHIC MYOCARDIOPATHY. Identifiers: Orphanet 217569, MedGen C0007194, MeSH D002312, MONDO:0005045, HP:0001639.

Allele frequency attached by ClinVar (database versions not stated): gnomAD 0.00004 and 0.00008; TOPMed 0.00005; gnomAD exomes 0.00022 and 0.00035; ExAC 0.00035.
gnomAD v4.1: 340 of 1,611,544 alleles (0.021%); highest among the groups gnomAD compares: South Asian, 0.27%; no homozygotes.

Submissions (14):

PreventionGenetics, part of Exact Sciences
Classification: Likely benign for PKP2-related condition. Last evaluated: 2026-05-27. Review status: criteria provided, single submitter. Criteria: ACMG Guidelines, 2015. Collection method: clinical testing. Allele origin: germline.
Comment: This variant is classified as likely benign based on ACMG/AMP sequence variant interpretation guidelines (Richards et al. 2015 PMID: 25741868, with internal and published modifications).

Women's Health and Genetics/Laboratory Corporation of America, LabCorp
Classification: Likely benign. Last evaluated: 2026-04-20. Review status: criteria provided, single submitter. Criteria: LabCorp Variant Classification Summary - May 2015. Collection method: clinical testing. Allele origin: germline.
Comment: Variant summary: PKP2 c.2365A>G (p.Ile789Val) results in a conservative amino acid change in the encoded protein sequence. Algorithms developed to predict the effect of missense changes on protein structure and function all suggest that this variant is likely to be tolerated. The variant allele was found at a frequency of 0.00035 in 251432 control chromosomes, predominantly at a frequency of 0.0025 within the South Asian subpopulation in the gnomAD database. The observed variant frequency within South Asian control individuals in the gnomAD database exceeds the estimated maximal expected allele frequency for disease-causing variants in PKP2. To our knowledge, no experimental evidence demonstrating an impact on protein function has been reported. The following publication has been ascertained in the context of this evaluation (PMID: 27066507). ClinVar contains an entry for this variant (Variation ID: 179097). Based on the evidence outlined above, the variant was classified as likely benign.

Labcorp Genetics (formerly Invitae), Labcorp
Classification: Likely benign for Arrhythmogenic right ventricular dysplasia 9. Last evaluated: 2026-01-13. Review status: criteria provided, single submitter. Criteria: Invitae Variant Classification Sherloc (09022015). Collection method: clinical testing. Allele origin: germline.

Molecular Diagnostic Laboratory for Inherited Cardiovascular Disease, Montreal Heart Institute
Classification: Likely benign. Last evaluated: 2025-04-09. Review status: criteria provided, single submitter. Criteria: ACMG Guidelines, 2015. Collection method: clinical testing. Allele origin: germline. Affected: no.

Blueprint Genetics
Classification: Likely benign. Last evaluated: 2024-10-10. Review status: criteria provided, single submitter. Criteria: ACMG Guidelines, 2015. Collection method: clinical testing. Allele origin: germline.

GeneDx
Classification: Likely benign. Last evaluated: 2021-06-18. Review status: criteria provided, single submitter. Criteria: GeneDx Variant Classification Process June 2021. Collection method: clinical testing. Allele origin: germline. Affected: yes.
Comment: This variant is associated with the following publications: (PMID: 27066507, 25819062, 27535533)

Ambry Genetics
Classification: Likely benign for Cardiovascular phenotype. Last evaluated: 2020-03-04. Review status: criteria provided, single submitter. Criteria: Ambry Variant Classification Scheme 2023. Collection method: clinical testing. Allele origin: germline.

Cambridge Genomics Laboratory, East Genomic Laboratory Hub, NHS Genomic Medicine Service
Classification: Likely benign for Hypertrophic cardiomyopathy. Last evaluated: 2019-07-22. Review status: criteria provided, single submitter. Criteria: ACGS Best Practice Guidelines for Variant Classification in Rare Disease 2020. Collection method: clinical testing. Allele origin: germline. Affected: yes. Observed: 1 variant allele.

Klaassen Lab, Charite University Medicine Berlin
Classification: Uncertain significance for Primary dilated cardiomyopathy. Last evaluated: 2019-07-03. Review status: criteria provided, single submitter. Criteria: ACMG Guidelines, 2015. Collection method: research. Allele origin: germline. Affected: yes.

Color Diagnostics, LLC DBA Color Health
Classification: Likely benign for Cardiomyopathy. Last evaluated: 2018-10-26. Review status: criteria provided, single submitter. Criteria: ACMG Guidelines, 2015. Collection method: clinical testing. Allele origin: germline.

Illumina Laboratory Services, Illumina
Classification: Uncertain significance for Arrhythmogenic right ventricular dysplasia 9. Last evaluated: 2018-01-12. Review status: criteria provided, single submitter. Criteria: ICSL Variant Classification Criteria 13 December 2019. Collection method: clinical testing. Allele origin: germline.

Laboratory for Molecular Medicine, Mass General Brigham Personalized Medicine
Classification: Uncertain significance. Last evaluated: 2013-08-11. Review status: criteria provided, single submitter. Criteria: LMM Criteria. Collection method: clinical testing. Allele origin: germline. Observed: 1 variant allele.
Comment: Variant classified as Uncertain Significance - Favor Benign. The Ile789Val varia nt in PKP2 has not been reported in individuals with cardiomyopathy or in large population studies. Isoleucine (Ile) at position 789 is not conserved in mammals or evolutionarily distant species and 1 species (bushbaby) carries a valine (Va l; this variant), raising the possibility that this change may be tolerated. Add itional computational analyses (biochemical amino acid properties, AlignGVGD, Po lyPhen2, and SIFT) also suggest that this variant may not impact the protein, th ough this information is not predictive enough to rule out pathogenicity. Althou gh this data supports that the Ile789Val variant may be benign, additional studi es are needed to fully assess its clinical significance.

Clinical Genetics, Academic Medical Center
Classification: Likely benign. Review status: no assertion criteria provided. Collection method: clinical testing. Allele origin: germline. Affected: yes. Study: VKGL Data-share Consensus. Not counted in ClinVar's aggregate classification.

Diagnostic Laboratory, Department of Genetics, University Medical Center Groningen
Classification: Likely benign for Arrhythmogenic right ventricular dysplasia 9. Review status: no assertion criteria provided. Collection method: clinical testing. Allele origin: germline. Affected: yes. Study: VKGL Data-share Consensus. Not counted in ClinVar's aggregate classification.

Literature cited by the submitters: PubMed 27066507 (cited by Women's Health and Genetics/Laboratory Corporation of America, LabCorp); PubMed 31333075 (cited by Klaassen Lab, Charite University Medicine Berlin); PubMed 31568572 (cited by Klaassen Lab, Charite University Medicine Berlin).

NM_001005242.3(PKP2):c.2233A>G (p.Ile745Val)

Gene: PKP2 (plakophilin 2; minus strand). Cytogenetic location: 12p11.21.
Variant type: single nucleotide variant.
Coding change: c.2233A>G on transcript NM_001005242.3 (MANE Select); coding-DNA position 2233, A replaced by G.
Protein change: p.Ile745Val; replaces isoleucine 745 with valine.
Molecular consequence: missense variant.
Genome position (GRCh38, 1-based): chr12:32,796,233, T>C on the plus strand (A>G on the coding strand, the complement: PKP2 is on the minus strand). VCF-style: chr12-32796233-T-C. GRCh37 (hg19) VCF-style: chr12-32949167-T-C.
Other names: p.I789V:ATT>GTT; c.2233A>G (NM_001005242.2); c.2365A>G, p.Ile789Val (NM_004572.4); short protein forms I789V, I745V.
Identifiers: ClinVar variation 179097 (VCV000179097.33), dbSNP rs551045165, ClinGen allele CA011965.